The following is an entry in ClinVar:

NM_001122681.2(SH3BP2):c.1521A>T (p.Lys507Asn)

Gene: SH3BP2 (SH3 domain binding protein 2; plus strand). Cytogenetic location: 4p16.3.
Variant type: single nucleotide variant.
Coding change: c.1521A>T on transcript NM_001122681.2 (MANE Select); coding-DNA position 1521, A replaced by T.
Protein change: p.Lys507Asn; replaces lysine 507 with asparagine.
Molecular consequence: missense variant.
Genome position (GRCh38, 1-based): chr4:2,833,022, A>T. VCF-style: chr4-2833022-A-T. GRCh37 (hg19) VCF-style: chr4-2834749-A-T.
Other names: c.1605A>T, p.Lys535Asn (NM_001145855.2); c.1692A>T, p.Lys564Asn (NM_001145856.2); c.1521A>T, p.Lys507Asn (NM_003023.4); short protein forms K507N, K564N, K535N.
Identifiers: ClinVar variation 1461618 (VCV001461618.8), dbSNP rs2108742930, ClinGen allele CA356059198.

ClinVar aggregate classification (germline): Uncertain significance (1 of 4 stars; one submission).

Conditions:
Fibrous dysplasia of jaw (CRBM). Also called: Cherubism. Identifiers: Orphanet 184, MedGen C0008029, MONDO:0007315, OMIM 118400.

Submission:

Labcorp Genetics (formerly Invitae), Labcorp
Classification: Uncertain significance for Fibrous dysplasia of jaw. Last evaluated: 2021-06-08. Review status: criteria provided, single submitter. Criteria: Invitae Variant Classification Sherloc (09022015). Collection method: clinical testing. Allele origin: germline.
Comment: This sequence change replaces lysine with asparagine at codon 507 of the SH3BP2 protein (p.Lys507Asn). The lysine residue is highly conserved and there is a moderate physicochemical difference between lysine and asparagine. This variant has not been reported in the literature in individuals with SH3BP2-related conditions. Algorithms developed to predict the effect of missense changes on protein structure and function are either unavailable or do not agree on the potential impact of this missense change (SIFT: "Deleterious"; PolyPhen-2: "Probably Damaging"; Align-GVGD: "Class C0"). In summary, the available evidence is currently insufficient to determine the role of this variant in disease. Therefore, it has been classified as a Variant of Uncertain Significance. This variant is not present in population databases (ExAC no frequency).